The following is an entry in ClinVar:

ClinVar aggregate classification (germline): Uncertain significance (1 of 4 stars; one submission).

Conditions:
Hereditary cancer-predisposing syndrome. Also called: Neoplastic Syndromes, Hereditary; Tumor predisposition; Hereditary neoplastic syndrome; Hereditary Cancer Syndrome. Identifiers: Orphanet 140162, MedGen C0027672, MeSH D009386, MONDO:0015356.

Submission:

Ambry Genetics
Classification: Uncertain significance for Hereditary cancer-predisposing syndrome. Last evaluated: 2025-05-04. Review status: criteria provided, single submitter. Criteria: Ambry Variant Classification Scheme 2023. Collection method: clinical testing. Allele origin: germline.
Comment: The p.G28E variant (also known as c.83G>A), located in coding exon 1 of the GREM1 gene, results from a G to A substitution at nucleotide position 83. The glycine at codon 28 is replaced by glutamic acid, an amino acid with similar properties. This amino acid position is conserved. In addition, the in silico prediction for this alteration is inconclusive. Based on the available evidence, the clinical significance of this variant remains unclear.

NM_013372.7(GREM1):c.83G>A (p.Gly28Glu)

Gene: GREM1 (gremlin 1, DAN family BMP antagonist; plus strand). Cytogenetic location: 15q13.3.
Variant type: single nucleotide variant.
Coding change: c.83G>A on transcript NM_013372.7 (MANE Select); coding-DNA position 83, G replaced by A.
Protein change: p.Gly28Glu; replaces glycine 28 with glutamic acid.
Molecular consequence: missense variant. On other transcripts: intron variant (1).
Genome position (GRCh38, 1-based): chr15:32,730,773, G>A. VCF-style: chr15-32730773-G-A. GRCh37 (hg19) VCF-style: chr15-33022974-G-A.
Other names: c.83G>A, p.Gly28Glu (NM_001191323.2, NM_001368719.1); c.27+56G>A (NM_001191322.2); short protein forms G28E.
Identifiers: ClinVar variation 4032196 (VCV004032196.1).
Genomic context (GRCh38, chr15:32,730,773, plus strand): 5'-TGGGAGCCCTGCTTCTCCTCTTGGGGACCCTGCTGCCGGCTGCTGAAGGGAAAAAGAAAG[G>A]GTCCCAAGGTGCCATCCCCCCGCCAGACAAGGCCCAGCACAATGACTCAGAGCAGACTCA-3'
Protein context (NP_037504.1, residues 18-38): LLPAAEGKKK[Gly28Glu]SQGAIPPPDK